The following is an entry in ClinVar:

NM_007294.4(BRCA1):c.884A>G (p.Asp295Gly)

Gene: BRCA1 (BRCA1 DNA repair associated; minus strand). Cytogenetic location: 17q21.31.
Variant type: single nucleotide variant.
Coding change: c.884A>G on transcript NM_007294.4 (MANE Select); coding-DNA position 884, A replaced by G.
Protein change: p.Asp295Gly; replaces aspartic acid 295 with glycine.
Molecular consequence: missense variant. On other transcripts: 5 prime UTR variant (2), intron variant (137).
Genome position (GRCh38, 1-based): chr17:43,094,647, T>C on the plus strand (A>G on the coding strand, the complement: BRCA1 is on the minus strand). VCF-style: chr17-43094647-T-C. GRCh37 (hg19) VCF-style: chr17-41246664-T-C.
Other names: NP_009225.1:p.Asp295Gly; c.671A>G, p.Asp224Gly (NM_001407571.1, NM_001407853.1, NM_001407894.1 and 9 more transcripts); c.884A>G, p.Asp295Gly (NM_001407581.1, NM_001407582.1, NM_001407583.1 and 30 more transcripts); c.881A>G, p.Asp294Gly (NM_001407587.1, NM_001407590.1, NM_001407591.1 and 22 more transcripts); c.875A>G, p.Asp292Gly (NM_001407646.1, NM_001407647.1); c.761A>G, p.Asp254Gly (NM_001407648.1, NM_001407664.1, NM_001407665.1 and 19 more transcripts); c.758A>G, p.Asp253Gly (NM_001407649.1, NM_001407670.1, NM_001407671.1 and 11 more transcripts); c.806A>G, p.Asp269Gly (NM_001407653.1, NM_001407654.1, NM_001407655.1 and 4 more transcripts); and 41 more; short protein forms D295G, D248G, D224G, D292G, D127G, D183G, D184G, D207G.
Identifiers: ClinVar variation 233188 (VCV000233188.48), dbSNP rs772684048, ClinGen allele CA056863.

ClinVar aggregate classification (germline): Conflicting classifications of pathogenicity. Review status: criteria provided, conflicting classifications (1 of 4 stars). 13 submissions from 13 submitters: Uncertain significance (7); Likely benign (3). 3 of the submissions do not count toward it. Last evaluated 2025-12-24.

Conditions:
Hereditary breast ovarian cancer syndrome. Also called: Breast and ovarian cancer; Hereditary breast and ovarian cancer; Hereditary breast and ovarian cancer syndrome; Hereditary breast and/or ovarian cancer syndrome; BRCA1- and BRCA2-Associated Hereditary Breast and Ovarian Cancer; Hereditary breast and ovarian cancer syndrome (HBOC). Identifiers: Orphanet 145, MedGen C0677776, MeSH D061325, MONDO:0003582. Disease mechanism: loss of function.
Pancreatic cancer, susceptibility to, 4. Identifiers: Orphanet 1333, MedGen C3280442, MONDO:0013685, OMIM 614320.
Breast-ovarian cancer, familial, susceptibility to, 1 (BROVCA1). Also called: BRCA1 Hereditary Breast and Ovarian Cancer; OVARIAN CANCER, SUSCEPTIBILITY TO. Identifiers: Orphanet 145, MedGen C2676676, MONDO:0011450, OMIM 604370. Disease mechanism: loss of function.
Fanconi anemia, complementation group S (FANCS). Identifiers: MedGen C4554406, MONDO:0054748, OMIM 617883.
Malignant tumor of breast. Also called: Malignant breast neoplasm; Cancer breast. Identifiers: MedGen C0006142, MONDO:0007254. Disease mechanism: loss of function.
BRCA1-related cancer predisposition. Identifiers: MedGen CN377757, MONDO:0700268.
Hereditary cancer-predisposing syndrome. Also called: Tumor predisposition; Hereditary Cancer Syndrome; Neoplastic Syndromes, Hereditary; Hereditary neoplastic syndrome. Identifiers: Orphanet 140162, MedGen C0027672, MeSH D009386, MONDO:0015356.

Allele frequency attached by ClinVar (database versions not stated): gnomAD exomes 0.00003 and 0.00008; ExAC 0.00007.
gnomAD v4.1: 42 of 1,614,176 alleles (0.0026%); highest among the groups gnomAD compares: South Asian, 0.046%; 1 homozygote.

Submissions 1 to 8 of 13:

Women's Health and Genetics/Laboratory Corporation of America, LabCorp
Classification: Uncertain significance. Last evaluated: 2025-12-24. Review status: criteria provided, single submitter. Criteria: LabCorp Variant Classification Summary - May 2015. Collection method: clinical testing. Allele origin: germline.
Comment: Variant summary: BRCA1 c.884A>G (p.Asp295Gly) results in a non-conservative amino acid change in the encoded protein sequence. Algorithms developed to predict the effect of missense changes on protein structure and function are either unavailable or do not agree on the potential impact of this missense change. The variant allele was found at a frequency of 8e-05 in 251246 control chromosomes, predominantly at a frequency of 0.00065 within the South Asian subpopulation in the gnomAD database. This frequency is not significantly higher than estimated for disease-causing variants in BRCA1, allowing no conclusion about variant significance. c.884A>G has been reported in the literature in individuals affected with breast and/or ovarian cancer (Manguoglu_2010, Hasmad_2016, Solmaz_2020, Combrink_2021), but also in a healthy control subject (Manguoglu_2010). These report(s) do not provide unequivocal conclusions about association of the variant with Hereditary Breast And Ovarian Cancer Syndrome. To our knowledge, no experimental evidence demonstrating an impact on protein function has been reported. The following publications have been ascertained in the context of this evaluation (PMID: 34218100, 26541979, 21156238, 31954625). ClinVar contains an entry for this variant (Variation ID: 233188). Based on the evidence outlined above, the variant was classified as uncertain significance.

Labcorp Genetics (formerly Invitae), Labcorp
Classification: Uncertain significance for Hereditary breast ovarian cancer syndrome. Last evaluated: 2025-09-28. Review status: criteria provided, single submitter. Criteria: Invitae Variant Classification Sherloc (09022015). Collection method: clinical testing. Allele origin: germline.
Comment: This sequence change replaces aspartic acid, which is acidic and polar, with glycine, which is neutral and non-polar, at codon 295 of the BRCA1 protein (p.Asp295Gly). This variant is present in population databases (rs772684048, gnomAD 0.06%), and has an allele count higher than expected for a pathogenic variant. This missense change has been observed in individual(s) with a personal and/or family history of breast and/or ovarian cancer (PMID: 21156238, 31954625, 34218100). ClinVar contains an entry for this variant (Variation ID: 233188). Invitae Evidence Modeling of protein sequence and biophysical properties (such as structural, functional, and spatial information, amino acid conservation, physicochemical variation, residue mobility, and thermodynamic stability) indicates that this missense variant is not expected to disrupt BRCA1 protein function with a negative predictive value of 80%. In summary, the available evidence is currently insufficient to determine the role of this variant in disease. Therefore, it has been classified as a Variant of Uncertain Significance.

Quest Diagnostics Nichols Institute San Juan Capistrano
Classification: Likely benign. Last evaluated: 2025-02-18. Review status: criteria provided, single submitter. Criteria: Quest Diagnostics criteria. Collection method: clinical testing. Allele origin: unknown.

All of Us Research Program, National Institutes of Health
Classification: Uncertain significance for BRCA1-related cancer predisposition. Last evaluated: 2024-07-29. Review status: criteria provided, single submitter. Criteria: ACMG Guidelines, 2015. Collection method: clinical testing. Allele origin: germline. Inheritance: Autosomal dominant inheritance. Observed: 2 variant alleles, 2 heterozygotes.
Comment: This missense variant replaces aspartic acid with glycine at codon 295 of the BRCA1 protein. Computational prediction is inconclusive regarding the impact of this variant on protein structure and function. To our knowledge, functional studies have not been reported for this variant. This variant has been reported in at least two individuals affected with breast cancer, an individual affected with ovarian cancer and one individual unaffected with cancer (PMID: 21156238, 26541979, 34218100), and this variant also has been detected in a breast cancer case-control meta-analysis in 0/60466 cases and 4/53461 unaffected individuals (PMID: 33471991; Leiden Open Variation Database DB-ID BRCA1_005730). This variant has been identified in 20/251246 chromosomes in the general population by the Genome Aggregation Database (gnomAD). The available evidence is insufficient to determine the role of this variant in disease conclusively. Therefore, this variant is classified as a Variant of Uncertain Significance.

This study involves interpretation of variants in research participants for the purpose of population health screening. Participant phenotype was not available at the time of variant classification. Additional details can be found in publication PMID: 35346344, PMCID: PMC8962531

Color Diagnostics, LLC DBA Color Health
Classification: Uncertain significance for Hereditary cancer-predisposing syndrome. Last evaluated: 2024-07-17. Review status: criteria provided, single submitter. Criteria: ACMG Guidelines, 2015. Collection method: clinical testing. Allele origin: germline.
Comment: This missense variant replaces aspartic acid with glycine at codon 295 of the BRCA1 protein. Computational prediction is inconclusive regarding the impact of this variant on protein structure and function. To our knowledge, functional studies have not been reported for this variant. This variant has been reported in at least two individuals affected with breast cancer, an individual affected with ovarian cancer and one individual unaffected with cancer (PMID: 21156238, 26541979, 34218100), and this variant also has been detected in a breast cancer case-control meta-analysis in 0/60466 cases and 4/53461 unaffected individuals (PMID: 33471991; Leiden Open Variation Database DB-ID BRCA1_005730). This variant has been identified in 20/251246 chromosomes in the general population by the Genome Aggregation Database (gnomAD). The available evidence is insufficient to determine the role of this variant in disease conclusively. Therefore, this variant is classified as a Variant of Uncertain Significance.

GeneDx
Classification: Uncertain significance. Last evaluated: 2024-03-08. Review status: criteria provided, single submitter. Criteria: GeneDx Variant Classification Process June 2021. Collection method: clinical testing. Allele origin: germline. Affected: yes.
Comment: In silico analysis supports that this missense variant has a deleterious effect on protein structure/function; Also known as 1003A>G; This variant is associated with the following publications: (PMID: 33471991, 34218100, 9582019, 9788437, 9926942, 15343273, 20215511, 26541979, 31954625, 21156238)

Fulgent Genetics
Classification: Uncertain significance for Breast-ovarian cancer, familial, susceptibility to, 1; Pancreatic cancer, susceptibility to, 4; Fanconi anemia, complementation group S. Last evaluated: 2024-02-16. Review status: criteria provided, single submitter. Criteria: ACMG Guidelines, 2015. Collection method: clinical testing. Allele origin: germline.

University of Washington Department of Laboratory Medicine, University of Washington
Classification: Likely benign for Hereditary cancer-predisposing syndrome. Last evaluated: 2023-03-23. Review status: criteria provided, single submitter. Criteria: Dines et al. (Genet Med. 2020). Collection method: curation. Allele origin: germline.
Comment: Missense variant in a coldspot region where missense variants are very unlikely to be pathogenic (PMID:31911673).

BRCA1 coldspot (exon 11 using historical exon numbering). Reclassification based on statistical prior probability